The following is an entry in ClinVar:

NM_002353.3(TACSTD2):c.*751C>A

Gene: TACSTD2 (tumor associated calcium signal transducer 2; minus strand). Cytogenetic location: 1p32.1.
Variant type: single nucleotide variant.
Coding change: c.*751C>A on transcript NM_002353.3 (MANE Select); 751 bases downstream of the stop codon, C replaced by A.
Molecular consequence: 3 prime UTR variant.
Genome position (GRCh38, 1-based): chr1:58,575,434, G>T on the plus strand (C>A on the coding strand, the complement: TACSTD2 is on the minus strand). VCF-style: chr1-58575434-G-T. GRCh37 (hg19) VCF-style: chr1-59041106-G-T.
Identifiers: ClinVar variation 297749 (VCV000297749.6), dbSNP rs570481691, ClinGen allele CA10610205.

ClinVar aggregate classification (germline): Likely benign. Review status: criteria provided, multiple submitters, no conflicts (2 of 4 stars). 2 submissions from 2 submitters: Likely benign (2). Last evaluated 2018-01-13.

Conditions:
Gelatinous droplike corneal dystrophy (GDLD). Also called: AMYLOID CORNEAL DYSTROPHY, JAPANESE TYPE. Identifiers: Orphanet 98957, MedGen C0339273, MONDO:0008777, OMIM 204870.

Allele frequency attached by ClinVar (database versions not stated): 1000 Genomes Project 30x 0.00047; 1000 Genomes Project 0.00060; gnomAD 0.00113 and 0.00117; TOPMed 0.00126.

Submissions (2):

Illumina Laboratory Services, Illumina
Classification: Likely benign for Gelatinous droplike corneal dystrophy. Last evaluated: 2018-01-13. Review status: criteria provided, single submitter. Criteria: ICSL Variant Classification Criteria 13 December 2019. Collection method: clinical testing. Allele origin: germline.
Comment: This variant was observed in the ICSL laboratory as part of a predisposition screen in an ostensibly healthy population. It had not been previously curated by ICSL or reported in the Human Gene Mutation Database (HGMD: prior to June 1st, 2018), and was therefore a candidate for classification through an automated scoring system. Utilizing variant allele frequency, disease prevalence and penetrance estimates, and inheritance mode, an automated score was calculated to assess if this variant is too frequent to cause the disease. Based on the score and internal cut-off values, a variant classified as likely benign is not then subjected to further curation. The score for this variant resulted in a classification of likely benign for this disease.

Breakthrough Genomics
Classification: Likely benign. Review status: criteria provided, single submitter. Criteria: ACMG Guidelines, 2015. Collection method: not provided. Allele origin: germline. Inheritance: Autosomal recessive inheritance. Affected: yes.